The following is an entry in ClinVar:

ClinVar aggregate classification (germline): Likely pathogenic (1 of 4 stars; one submission).

Conditions:
COL1A1-related disorder. Also called: COL1A1- related disease; COL1A1-related condition.

Submission:

PreventionGenetics, part of Exact Sciences
Classification: Likely pathogenic for COL1A1-related condition. Last evaluated: 2025-05-18. Review status: criteria provided, single submitter. Criteria: ACMG Guidelines, 2015. Collection method: clinical testing. Allele origin: germline.
Comment: The COL1A1 c.4307delG variant is predicted to result in a frameshift and premature protein termination (p.Arg1436Profs*90). To our knowledge, this variant has not been reported in the literature or in a large population database (gnomAD), indicating this variant is rare. This variant resides in the final exon and is predicted to result in a frameshift and protein extension. Other downstream frameshift variants have been reported in association with osteogenesis imperfecta (see, for example: Zhang et al. 2019. PubMed ID: 3069269; Malmgren et al. 2017. PubMed ID: 27510842). Frameshift variants in COL1A1 are expected to be pathogenic. This variant is interpreted as likely pathogenic.

NM_000088.4(COL1A1):c.4307del (p.Arg1436fs)

Gene: COL1A1 (collagen type I alpha 1 chain; minus strand). Cytogenetic location: 17q21.33.
Variant type: Deletion.
Coding change: c.4307del on transcript NM_000088.4 (MANE Select); coding-DNA position 4307, one base deleted (G; older notation c.4307delG).
Protein change: p.Arg1436fs; shifts the reading frame from arginine 1436.
Molecular consequence: frameshift variant.
Genome position (GRCh38, 1-based): chr17:50,185,590, C deleted on the plus strand (G on the coding strand, the reverse complement: COL1A1 is on the minus strand). VCF-style (leftmost placement, unchanged base first): chr17-50185589-GC-G. GRCh37 (hg19) VCF-style: chr17-48262950-GC-G.
Other names: short protein forms R1436fs.
Identifiers: ClinVar variation 5001422 (VCV005001422.1).